The following is an entry in ClinVar:

NM_152309.3(PIK3AP1):c.1739C>T (p.Pro580Leu)

Gene: PIK3AP1 (phosphoinositide-3-kinase adaptor protein 1; minus strand). Cytogenetic location: 10q24.1.
Variant type: single nucleotide variant.
Coding change: c.1739C>T on transcript NM_152309.3 (MANE Select); coding-DNA position 1739, C replaced by T.
Protein change: p.Pro580Leu; replaces proline 580 with leucine.
Molecular consequence: missense variant.
Genome position (GRCh38, 1-based): chr10:96,620,554, G>A on the plus strand (C>T on the coding strand, the complement: PIK3AP1 is on the minus strand). VCF-style: chr10-96620554-G-A. GRCh37 (hg19) VCF-style: chr10-98380311-G-A.
Other names: short protein forms P580L.
Identifiers: ClinVar variation 1419993 (VCV001419993.8), dbSNP rs778955496, ClinGen allele CA5626162.

ClinVar aggregate classification (germline): Uncertain significance (1 of 4 stars; one submission).

Conditions:
Infantile spasms. Also called: Infantile spasm. Identifiers: MedGen C3887898, HP:0012469.

Allele frequency attached by ClinVar (database versions not stated): gnomAD exomes 0.00001 and 0.00002; gnomAD 0.00002; TOPMed 0.00002; ExAC 0.00003.
gnomAD v4.1: 20 of 1,611,788 alleles (0.0012%); highest among the groups gnomAD compares: Admixed American, 0.0017%; no homozygotes.

Submission:

Labcorp Genetics (formerly Invitae), Labcorp
Classification: Uncertain significance for Infantile spasms. Last evaluated: 2024-02-24. Review status: criteria provided, single submitter. Criteria: Invitae Variant Classification Sherloc (09022015). Collection method: clinical testing. Allele origin: germline.
Comment: This sequence change replaces proline, which is neutral and non-polar, with leucine, which is neutral and non-polar, at codon 580 of the PIK3AP1 protein (p.Pro580Leu). This variant is present in population databases (rs778955496, gnomAD 0.004%). This variant has not been reported in the literature in individuals affected with PIK3AP1-related conditions. ClinVar contains an entry for this variant (Variation ID: 1419993). An algorithm developed to predict the effect of missense changes on protein structure and function (PolyPhen-2) suggests that this variant is likely to be tolerated. In summary, the available evidence is currently insufficient to determine the role of this variant in disease. Therefore, it has been classified as a Variant of Uncertain Significance.